The following is an entry in ClinVar:

NM_006736.6(DNAJB2):c.118G>T (p.Glu40Ter)

Gene: DNAJB2 (DnaJ heat shock protein family (Hsp40) member B2; plus strand). Cytogenetic location: 2q35.
Variant type: single nucleotide variant.
Coding change: c.118G>T on transcript NM_006736.6 (MANE Select); coding-DNA position 118, G replaced by T.
Protein change: p.Glu40Ter; replaces glutamic acid 40 with a stop codon.
Molecular consequence: nonsense.
Genome position (GRCh38, 1-based): chr2:219,280,630, G>T. VCF-style: chr2-219280630-G-T. GRCh37 (hg19) VCF-style: chr2-220145352-G-T.
Other names: c.118G>T, p.Glu40Ter (NM_001039550.2); short protein forms E40*.
Identifiers: ClinVar variation 1895597 (VCV001895597.5), dbSNP rs936213383, ClinGen allele CA350646614.

ClinVar aggregate classification (germline): Pathogenic (1 of 4 stars; one submission).

Conditions:
Neuronopathy, distal hereditary motor, autosomal recessive 5. Also called: NEUROPATHY, DISTAL HEREDITARY MOTOR, AUTOSOMAL RECESSIVE 5; Spinal muscular atrophy, distal, autosomal recessive, 5; Young adult-onset distal hereditary motor neuropathy. Identifiers: Orphanet 314485, Orphanet 443950, MedGen C4749918, MONDO:0013947, OMIM 614881.

Submission:

Labcorp Genetics (formerly Invitae), Labcorp
Classification: Pathogenic for Neuronopathy, distal hereditary motor, autosomal recessive 5. Last evaluated: 2022-10-24. Review status: criteria provided, single submitter. Criteria: Invitae Variant Classification Sherloc (09022015). Collection method: clinical testing. Allele origin: germline.
Comment: This sequence change creates a premature translational stop signal (p.Glu40*) in the DNAJB2 gene. It is expected to result in an absent or disrupted protein product. Loss-of-function variants in DNAJB2 are known to be pathogenic (PMID: 22522442, 25274842). This variant is not present in population databases (gnomAD no frequency). For these reasons, this variant has been classified as Pathogenic. This variant has not been reported in the literature in individuals affected with DNAJB2-related conditions.

Literature cited by the submitters: PubMed 22522442; PubMed 25274842.